The following is an entry in ClinVar:

ClinVar aggregate classification (germline): Uncertain significance. Review status: criteria provided, multiple submitters, no conflicts (2 of 4 stars). 2 submissions from 2 submitters: Uncertain significance (2). Last evaluated 2024-01-02.

Conditions:
Inborn genetic diseases. Identifiers: MedGen C0950123, MeSH D030342.
ALG9 congenital disorder of glycosylation (CDG1L). Also called: ALG9-CDG; CONGENITAL DISORDER OF GLYCOSYLATION, TYPE Il; CDG Il. Identifiers: Orphanet 79328, MedGen C2931006, MONDO:0012117, OMIM 608776.

Allele frequency attached by ClinVar (database versions not stated): ExAC 0.00002; gnomAD 0.00002; TOPMed 0.00002.
gnomAD v4.1: 10 of 1,613,200 alleles (0.00062%); highest among the groups gnomAD compares: African/African-American, 0.004%; no homozygotes.

Submissions (2):

Labcorp Genetics (formerly Invitae), Labcorp
Classification: Uncertain significance for ALG9 congenital disorder of glycosylation. Last evaluated: 2024-01-02. Review status: criteria provided, single submitter. Criteria: Invitae Variant Classification Sherloc (09022015). Collection method: clinical testing. Allele origin: germline.
Comment: This sequence change replaces arginine, which is basic and polar, with cysteine, which is neutral and slightly polar, at codon 269 of the ATP6V0A2 protein (p.Arg269Cys). This variant is present in population databases (rs773214209, gnomAD 0.008%). This variant has not been reported in the literature in individuals affected with ATP6V0A2-related conditions. ClinVar contains an entry for this variant (Variation ID: 2188577). Advanced modeling of protein sequence and biophysical properties (such as structural, functional, and spatial information, amino acid conservation, physicochemical variation, residue mobility, and thermodynamic stability) has been performed at Invitae for this missense variant, however the output from this modeling did not meet the statistical confidence thresholds required to predict the impact of this variant on ATP6V0A2 protein function. In summary, the available evidence is currently insufficient to determine the role of this variant in disease. Therefore, it has been classified as a Variant of Uncertain Significance.

Ambry Genetics
Classification: Uncertain significance for Inborn genetic diseases. Last evaluated: 2021-12-14. Review status: criteria provided, single submitter. Criteria: Ambry Variant Classification Scheme 2023. Collection method: clinical testing. Allele origin: germline.

NM_012463.4(ATP6V0A2):c.805C>T (p.Arg269Cys)

Gene: ATP6V0A2 (ATPase H+ transporting V0 subunit a2; plus strand). Cytogenetic location: 12q24.31.
Variant type: single nucleotide variant.
Coding change: c.805C>T on transcript NM_012463.4 (MANE Select); coding-DNA position 805, C replaced by T.
Protein change: p.Arg269Cys; replaces arginine 269 with cysteine.
Molecular consequence: missense variant.
Genome position (GRCh38, 1-based): chr12:123,735,604, C>T. VCF-style: chr12-123735604-C-T. GRCh37 (hg19) VCF-style: chr12-124220151-C-T.
Other names: c.805C>T (NM_012463.3); short protein forms R269C.
Identifiers: ClinVar variation 2188577 (VCV002188577.3), dbSNP rs773214209, ClinGen allele CA6861739.